The following is an entry in ClinVar:

NM_000781.3(CYP11A1):c.517G>A (p.Ala173Thr)

Gene: CYP11A1 (cytochrome P450 family 11 subfamily A member 1; minus strand). Cytogenetic location: 15q24.1.
Variant type: single nucleotide variant.
Coding change: c.517G>A on transcript NM_000781.3 (MANE Select); coding-DNA position 517, G replaced by A.
Protein change: p.Ala173Thr; replaces alanine 173 with threonine.
Molecular consequence: missense variant.
Genome position (GRCh38, 1-based): chr15:74,345,152, C>T on the plus strand (G>A on the coding strand, the complement: CYP11A1 is on the minus strand). VCF-style: chr15-74345152-C-T. GRCh37 (hg19) VCF-style: chr15-74637493-C-T.
Other names: c.43G>A, p.Ala15Thr (NM_001099773.2); c.517G>A (NM_000781.2); short protein forms A173T, A15T.
Identifiers: ClinVar variation 3577691 (VCV003577691.3).

ClinVar aggregate classification (germline): Uncertain significance. Review status: criteria provided, multiple submitters, no conflicts (2 of 4 stars). 3 submissions from 3 submitters: Uncertain significance (3). Last evaluated 2025-12-11.

Conditions:
Inborn genetic diseases. Identifiers: MedGen C0950123, MeSH D030342.
Congenital adrenal insufficiency with 46, XY sex reversal OR 46,XY disorder of sex development-adrenal insufficiency due to CYP11A1 deficiency. Also called: Congenital adrenal insuffiency with 46, XY sex reversal OR 46,XY disorder of sex development-adrenal insufficiency due to CYP11A1 deficiency; P450scc DEFICIENCY. Identifiers: Orphanet 168558, MedGen C3151055, MONDO:0013400, OMIM 613743.

gnomAD v4.1: 8 of 1,614,218 alleles (0.0005%); highest among the groups gnomAD compares: Non-Finnish European, 0.00068%; no homozygotes.

Submissions (3):

Labcorp Genetics (formerly Invitae), Labcorp
Classification: Uncertain significance. Last evaluated: 2025-12-11. Review status: criteria provided, single submitter. Criteria: Invitae Variant Classification Sherloc (09022015). Collection method: clinical testing. Allele origin: germline.
Comment: This sequence change replaces alanine, which is neutral and non-polar, with threonine, which is neutral and polar, at codon 173 of the CYP11A1 protein (p.Ala173Thr). This variant is present in population databases (rs752253559, gnomAD 0.004%). This variant has not been reported in the literature in individuals affected with CYP11A1-related conditions. ClinVar contains an entry for this variant (Variation ID: 3577691). Invitae Evidence Modeling of protein sequence and biophysical properties (such as structural, functional, and spatial information, amino acid conservation, physicochemical variation, residue mobility, and thermodynamic stability) indicates that this missense variant is not expected to disrupt CYP11A1 protein function with a negative predictive value of 95%. In summary, the available evidence is currently insufficient to determine the role of this variant in disease. Therefore, it has been classified as a Variant of Uncertain Significance.

Ambry Genetics
Classification: Uncertain significance for Inborn genetic diseases. Last evaluated: 2025-10-07. Review status: criteria provided, single submitter. Criteria: Ambry Variant Classification Scheme 2023. Collection method: clinical testing. Allele origin: germline.

Fulgent Genetics
Classification: Uncertain significance for Congenital adrenal insufficiency with 46, XY sex reversal OR 46,XY disorder of sex development-adrenal insufficiency due to CYP11A1 deficiency. Last evaluated: 2024-06-13. Review status: criteria provided, single submitter. Criteria: ACMG Guidelines, 2015. Collection method: clinical testing. Allele origin: germline.